The following is an entry in ClinVar:

ClinVar aggregate classification (germline): Uncertain significance. Review status: criteria provided, multiple submitters, no conflicts (2 of 4 stars). 2 submissions from 2 submitters: Uncertain significance (2). Last evaluated 2025-10-22.

Conditions:
Inborn genetic diseases. Identifiers: MedGen C0950123, MeSH D030342.

Submissions (2):

Ambry Genetics
Classification: Uncertain significance for Inborn genetic diseases. Last evaluated: 2025-10-22. Review status: criteria provided, single submitter. Criteria: Ambry Variant Classification Scheme 2023. Collection method: clinical testing. Allele origin: germline.

Labcorp Genetics (formerly Invitae), Labcorp
Classification: Uncertain significance. Last evaluated: 2024-07-19. Review status: criteria provided, single submitter. Criteria: Invitae Variant Classification Sherloc (09022015). Collection method: clinical testing. Allele origin: germline.
Comment: This sequence change replaces arginine, which is basic and polar, with leucine, which is neutral and non-polar, at codon 473 of the SMARCD2 protein (p.Arg473Leu). This variant is not present in population databases (gnomAD no frequency). This variant has not been reported in the literature in individuals affected with SMARCD2-related conditions. Advanced modeling of protein sequence and biophysical properties (such as structural, functional, and spatial information, amino acid conservation, physicochemical variation, residue mobility, and thermodynamic stability) performed at Invitae indicates that this missense variant is not expected to disrupt SMARCD2 protein function with a negative predictive value of 80%. In summary, the available evidence is currently insufficient to determine the role of this variant in disease. Therefore, it has been classified as a Variant of Uncertain Significance.

NM_001098426.2(SMARCD2):c.1418G>T (p.Arg473Leu)

Gene: SMARCD2 (SWI/SNF related BAF chromatin remodeling complex subunit D2; minus strand). Cytogenetic location: 17q23.3.
Variant type: single nucleotide variant.
Coding change: c.1418G>T on transcript NM_001098426.2 (MANE Select); coding-DNA position 1418, G replaced by T.
Protein change: p.Arg473Leu; replaces arginine 473 with leucine.
Molecular consequence: missense variant.
Genome position (GRCh38, 1-based): chr17:63,833,320, C>A on the plus strand (G>T on the coding strand, the complement: SMARCD2 is on the minus strand). VCF-style: chr17-63833320-C-A. GRCh37 (hg19) VCF-style: chr17-61910680-C-A.
Other names: c.1418G>T (NM_001098426.1); c.1193G>T, p.Arg398Leu (NM_001330439.1); c.1274G>T, p.Arg425Leu (NM_001330440.2); short protein forms R398L, R425L, R473L.
Identifiers: ClinVar variation 3612655 (VCV003612655.3).